The following is an entry in ClinVar:

NM_016507.4(CDK12):c.4005C>A (p.Asn1335Lys)

Gene: CDK12 (cyclin dependent kinase 12; plus strand). Cytogenetic location: 17q12.
Variant type: single nucleotide variant.
Coding change: c.4005C>A on transcript NM_016507.4 (MANE Select); coding-DNA position 4005, C replaced by A.
Protein change: p.Asn1335Lys; replaces asparagine 1335 with lysine.
Molecular consequence: missense variant.
Genome position (GRCh38, 1-based): chr17:39,530,848, C>A. VCF-style: chr17-39530848-C-A. GRCh37 (hg19) VCF-style: chr17-37687101-C-A.
Other names: c.3978C>A, p.Asn1326Lys (NM_015083.4); short protein forms N1326K, N1335K.
Identifiers: ClinVar variation 4651395 (VCV004651395.1).

ClinVar aggregate classification (germline): Uncertain significance (1 of 4 stars; one submission).

gnomAD v4.1: 1 of 1,614,100 alleles (0.000062%); highest among the groups gnomAD compares: African/African-American, 0.0013%; no homozygotes.

Submission:

Ambry Genetics
Classification: Uncertain significance. Last evaluated: 2025-10-22. Review status: criteria provided, single submitter. Criteria: Ambry Variant Classification Scheme 2023. Collection method: clinical testing. Allele origin: germline.
Comment: The p.N1335K variant (also known as c.4005C>A), located in coding exon 14 of the CDK12 gene, results from a C to A substitution at nucleotide position 4005. The asparagine at codon 1335 is replaced by lysine, an amino acid with similar properties. This amino acid position is conserved. In addition, this alteration is predicted to be tolerated by in silico analysis. Based on the available evidence, the clinical significance of this variant remains unclear.